The following is an entry in ClinVar:

NM_017491.5(WDR1):c.827C>G (p.Ser276Cys)

Gene: WDR1 (WD repeat domain 1; minus strand). Cytogenetic location: 4p16.1.
Variant type: single nucleotide variant.
Coding change: c.827C>G on transcript NM_017491.5 (MANE Select); coding-DNA position 827, C replaced by G.
Protein change: p.Ser276Cys; replaces serine 276 with cysteine.
Molecular consequence: missense variant.
Genome position (GRCh38, 1-based): chr4:10,087,831, G>C on the plus strand (C>G on the coding strand, the complement: WDR1 is on the minus strand). VCF-style: chr4-10087831-G-C. GRCh37 (hg19) VCF-style: chr4-10089455-G-C.
Other names: c.407C>G, p.Ser136Cys (NM_005112.5); short protein forms S276C, S136C.
Identifiers: ClinVar variation 4634648 (VCV004634648.2).

ClinVar aggregate classification (germline): Uncertain significance. Review status: criteria provided, multiple submitters, no conflicts (2 of 4 stars). 2 submissions from 2 submitters: Uncertain significance (2). Last evaluated 2025-12-11.

Conditions:
Inborn genetic diseases. Identifiers: MedGen C0950123, MeSH D030342.

gnomAD v4.1: 16 of 1,581,290 alleles (0.001%); highest among the groups gnomAD compares: South Asian, 0.017%; no homozygotes.

Submissions (2):

Ambry Genetics
Classification: Uncertain significance for Inborn genetic diseases. Last evaluated: 2025-12-11. Review status: criteria provided, single submitter. Criteria: Ambry Variant Classification Scheme 2023. Collection method: clinical testing. Allele origin: germline.

Labcorp Genetics (formerly Invitae), Labcorp
Classification: Uncertain significance. Last evaluated: 2025-09-10. Review status: criteria provided, single submitter. Criteria: Invitae Variant Classification Sherloc (09022015). Collection method: clinical testing. Allele origin: germline.
Comment: This sequence change replaces serine, which is neutral and polar, with cysteine, which is neutral and slightly polar, at codon 276 of the WDR1 protein (p.Ser276Cys). This variant is present in population databases (rs561132283, gnomAD 0.02%). This variant has not been reported in the literature in individuals affected with WDR1-related conditions. An algorithm developed to predict the effect of missense changes on protein structure and function (PolyPhen-2) suggests that this variant is likely to be tolerated. In summary, the available evidence is currently insufficient to determine the role of this variant in disease. Therefore, it has been classified as a Variant of Uncertain Significance.